The following is an entry in ClinVar:

NM_001165963.4(SCN1A):c.4663A>G (p.Met1555Val)

Genes: SCN1A (sodium voltage-gated channel alpha subunit 1; minus strand), LOC102724058 (uncharacterized LOC102724058; plus strand). Cytogenetic location: 2q24.3.
Variant type: single nucleotide variant.
Coding change: c.4663A>G on transcript NM_001165963.4 (MANE Select); coding-DNA position 4663, A replaced by G.
Protein change: p.Met1555Val; replaces methionine 1555 with valine.
Molecular consequence: missense variant. On other transcripts: non-coding transcript variant (1).
Genome position (GRCh38, 1-based): chr2:165,994,335, T>C on the plus strand (A>G on the coding strand, the complement: SCN1A is on the minus strand). VCF-style: chr2-165994335-T-C. GRCh37 (hg19) VCF-style: chr2-166850845-T-C.
Other names: c.4579A>G, p.Met1527Val (NM_001165964.3, NM_001353957.2, NM_001353958.2); c.4663A>G, p.Met1555Val (NM_001202435.3, NM_001353948.2); c.4630A>G, p.Met1544Val (NM_001353949.2, NM_001353950.2, NM_001353951.2 and 2 more transcripts); c.4627A>G, p.Met1543Val (NM_001353954.2, NM_001353955.2); c.4576A>G, p.Met1526Val (NM_001353960.2); c.2221A>G, p.Met741Val (NM_001353961.2); short protein forms M1527V, M1543V, M1526V, M1555V, M741V, M1544V.
Identifiers: ClinVar variation 1409782 (VCV001409782.7), dbSNP rs2105449182, ClinGen allele CA349072196.
Genomic context (GRCh38, chr2:165,994,335, plus strand): 5'-GTGACAAAATGGTAGTCACATATTCACTCTGGTCATCTGTTTCCACCATCATTGTGACCA[T>C]GTTAAGACAGATGAGAATCATGATGCTTATGTCAAAAACTTGTCTGGTTACGAAGTCAAA-3'
Protein context (NP_001159435.1, residues 1545-1565): ISIMILICLN[Met1555Val]VTMMVETDDQ

ClinVar aggregate classification (germline): Uncertain significance (1 of 4 stars; one submission).

Conditions:
Early-infantile DEE. Also called: Ohtahara syndrome; Early infantile epileptic encephalopathy with suppression bursts; Early infantile epileptic encephalopathy. Identifiers: Orphanet 1934, MedGen C0393706, MONDO:0800491.

Allele frequency attached by ClinVar (database versions not stated): gnomAD exomes below 0.00001.

Submission:

Labcorp Genetics (formerly Invitae), Labcorp
Classification: Uncertain significance for Early-infantile DEE. Last evaluated: 2025-10-06. Review status: criteria provided, single submitter. Criteria: Invitae Variant Classification Sherloc (09022015). Collection method: clinical testing. Allele origin: germline.
Comment: This sequence change replaces methionine, which is neutral and non-polar, with valine, which is neutral and non-polar, at codon 1555 of the SCN1A protein (p.Met1555Val). This variant is not present in population databases (gnomAD no frequency). This variant has not been reported in the literature in individuals affected with SCN1A-related conditions. ClinVar contains an entry for this variant (Variation ID: 1409782). Invitae Evidence Modeling of protein sequence and biophysical properties (such as structural, functional, and spatial information, amino acid conservation, physicochemical variation, residue mobility, and thermodynamic stability) indicates that this missense variant is expected to disrupt SCN1A protein function with a positive predictive value of 95%. In summary, the available evidence is currently insufficient to determine the role of this variant in disease. Therefore, it has been classified as a Variant of Uncertain Significance.